The following is an entry in ClinVar:

NM_057176.3(BSND):c.143del (p.Gly48fs)

Gene: BSND (barttin CLCNK type accessory subunit beta; plus strand). Cytogenetic location: 1p32.3.
Variant type: Deletion.
Coding change: c.143del on transcript NM_057176.3 (MANE Select); coding-DNA position 143, one base deleted (G; older notation c.143delG).
Protein change: p.Gly48fs; shifts the reading frame from glycine 48.
Molecular consequence: frameshift variant.
Genome position (GRCh38, 1-based): chr1:54,999,329, G deleted; the last of 5 consecutive G bases (chr1:54,999,325-54,999,329); deleting any one gives the same sequence. VCF-style (leftmost placement, unchanged base first): chr1-54999324-CG-C. GRCh37 (hg19) VCF-style: chr1-55464997-CG-C.
Other names: c.143delG (NM_057176.2); short protein forms G48fs.
Identifiers: ClinVar variation 1452822 (VCV001452822.9), dbSNP rs774047416, ClinGen allele CA871227.

ClinVar aggregate classification (germline): Pathogenic/Likely pathogenic. Review status: criteria provided, multiple submitters, no conflicts (2 of 4 stars). 3 submissions from 3 submitters: Pathogenic (2); Likely pathogenic (1). Last evaluated 2026-09-10.

Conditions:
Renal tubulopathies.
Bartter syndrome. Identifiers: Orphanet 112, MedGen C0004775, MONDO:0015231.

Submissions (3):

Genetics Laboratory, Great Ormond Street Hospital NHS Foundation Trust, North Thames Genomic Laboratory Hub
Classification: Pathogenic for Renal tubulopathies. Last evaluated: 2026-09-10. Review status: criteria provided, single submitter. Criteria: ACGS Best Practice Guidelines for Variant Classification in Rare Disease 2024 v1.2. Collection method: clinical testing. Allele origin: germline. Affected: yes.
Comment: PM2_moderate, PVS1_very-strong, PM3_supporting

Natera, Inc.
Classification: Likely pathogenic for Bartter syndrome. Last evaluated: 2025-11-21. Review status: criteria provided, single submitter. Criteria: Natera Variant Classification Schema (03/2026). Collection method: clinical testing. Allele origin: germline.
Comment: The c.143delG variant in BSND is a frameshift variant predicted to shift the reading frame beginning at codon 48 and leads to a stop codon 42 codons downstream. This variant is expected to result in nonsense mediated decay, truncation, or a dysfunctional protein product. This variant is rare in the general population with a frequency below the threshold expected for the associated phenotype(s). Given the available evidence, this variant is classified as Likely Pathogenic.

Labcorp Genetics (formerly Invitae), Labcorp
Classification: Pathogenic. Last evaluated: 2021-06-27. Review status: criteria provided, single submitter. Criteria: Invitae Variant Classification Sherloc (09022015). Collection method: clinical testing. Allele origin: germline.
Comment: This variant is present in population databases (rs774047416, ExAC 0.006%). For these reasons, this variant has been classified as Pathogenic. This variant has not been reported in the literature in individuals with BSND-related conditions. This sequence change creates a premature translational stop signal (p.Gly48Alafs*42) in the BSND gene. It is expected to result in an absent or disrupted protein product. Loss-of-function variants in BSND are known to be pathogenic (PMID: 11687798).

Literature cited by the submitters: PubMed 11687798 (cited by Labcorp Genetics (formerly Invitae), Labcorp).